The following is an entry in ClinVar:

NC_000004.11:g.(?_47322124)_(47428035_?)dup

Gene: GABRB1 (gamma-aminobutyric acid type A receptor subunit beta1; plus strand). Cytogenetic location: 4p12.
Variant type: Duplication.
Identifiers: ClinVar variation 2423401 (VCV002423401.4).

ClinVar aggregate classification (germline): Uncertain significance (1 of 4 stars; one submission).

Submission:

Labcorp Genetics (formerly Invitae), Labcorp
Classification: Uncertain significance. Last evaluated: 2022-11-15. Review status: criteria provided, single submitter. Criteria: Invitae Variant Classification Sherloc (09022015). Collection method: clinical testing. Allele origin: germline.
Comment: In summary, the available evidence is currently insufficient to determine the role of this variant in disease. Therefore, it has been classified as a Variant of Uncertain Significance. Experimental studies and prediction algorithms are not available or were not evaluated, and the functional significance of this variant is currently unknown. This variant has not been reported in the literature in individuals affected with GABRB1-related conditions. This variant results in a copy number gain of the genomic region encompassing exon(s) 5-9 of the GABRB1 gene. This region includes the termination codon of the gene. This copy number gain extends beyond the assayed region for this gene and therefore may encompass additional genes. As the precise location of this event is unknown, it may be in tandem or it may be located elsewhere in the genome.